The following is an entry in ClinVar:

ClinVar aggregate classification (germline): Uncertain significance. Review status: criteria provided, multiple submitters, no conflicts (2 of 4 stars). 2 submissions from 2 submitters: Uncertain significance (2). Last evaluated 2025-11-12.

Conditions:
Hereditary nonpolyposis colorectal neoplasms. Identifiers: MedGen C0009405, MeSH D003123.
Hereditary cancer-predisposing syndrome. Also called: Neoplastic Syndromes, Hereditary; Hereditary Cancer Syndrome; Tumor predisposition; Hereditary neoplastic syndrome. Identifiers: Orphanet 140162, MedGen C0027672, MeSH D009386, MONDO:0015356.

Submissions (2):

Ambry Genetics
Classification: Uncertain significance for Hereditary cancer-predisposing syndrome. Last evaluated: 2025-11-12. Review status: criteria provided, single submitter. Criteria: Ambry Variant Classification Scheme 2023. Collection method: clinical testing. Allele origin: germline.
Comment: The p.A725E variant (also known as c.2174C>A), located in coding exon 12 of the PMS2 gene, results from a C to A substitution at nucleotide position 2174. The alanine at codon 725 is replaced by glutamic acid, an amino acid with dissimilar properties. This amino acid position is not well conserved in available vertebrate species. In addition, this alteration is predicted to be tolerated by in silico analysis. Based on the available evidence, the clinical significance of this variant remains unclear.

Labcorp Genetics (formerly Invitae), Labcorp
Classification: Uncertain significance for Hereditary nonpolyposis colorectal neoplasms. Last evaluated: 2021-10-21. Review status: criteria provided, single submitter. Criteria: Invitae Variant Classification Sherloc (09022015). Collection method: clinical testing. Allele origin: germline.
Comment: In summary, the available evidence is currently insufficient to determine the role of this variant in disease. Therefore, it has been classified as a Variant of Uncertain Significance. Algorithms developed to predict the effect of missense changes on protein structure and function are either unavailable or do not agree on the potential impact of this missense change (SIFT: "Tolerated"; PolyPhen-2: "Possibly Damaging"; Align-GVGD: "Class C0"). ClinVar contains an entry for this variant (Variation ID: 945119). This variant has not been reported in the literature in individuals affected with PMS2-related conditions. The frequency data for this variant in the population databases (gnomAD) is considered unreliable due to the presence of homologous sequence, such as pseudogenes or paralogs, in the genome. This sequence change replaces alanine, which is neutral and non-polar, with glutamic acid, which is acidic and polar, at codon 725 of the PMS2 protein (p.Ala725Glu).

NM_000535.7(PMS2):c.2174C>A (p.Ala725Glu)

Gene: PMS2 (PMS1 homolog 2, mismatch repair system component; minus strand). Cytogenetic location: 7p22.1.
Variant type: single nucleotide variant.
Coding change: c.2174C>A on transcript NM_000535.7 (MANE Select); coding-DNA position 2174, C replaced by A.
Protein change: p.Ala725Glu; replaces alanine 725 with glutamic acid.
Molecular consequence: missense variant. On other transcripts: non-coding transcript variant (1).
Genome position (GRCh38, 1-based): chr7:5,982,824, G>T on the plus strand (C>A on the coding strand, the complement: PMS2 is on the minus strand). VCF-style: chr7-5982824-G-T. GRCh37 (hg19) VCF-style: chr7-6022455-G-T.
Other names: c.1769C>A, p.Ala590Glu (NM_001322003.2, NM_001322004.2, NM_001322005.2 and 1 more transcripts); c.2018C>A, p.Ala673Glu (NM_001322006.2); c.1856C>A, p.Ala619Glu (NM_001322007.2, NM_001322008.2); c.1613C>A, p.Ala538Glu (NM_001322010.2); c.1241C>A, p.Ala414Glu (NM_001322011.2, NM_001322012.2); c.1601C>A, p.Ala534Glu (NM_001322013.2); c.2174C>A, p.Ala725Glu (NM_001322014.2); c.1865C>A, p.Ala622Glu (NM_001322015.2); short protein forms A534E, A538E, A622E, A590E, A673E, A414E, A619E, A725E.
Identifiers: ClinVar variation 945119 (VCV000945119.11), dbSNP rs150630090, ClinGen allele CA366737836.